The following is an entry in ClinVar:

NM_001007553.3(CSDE1):c.288T>C (p.Pro96=)

Gene: CSDE1 (cold shock domain containing E1; minus strand). Cytogenetic location: 1p13.2.
Variant type: single nucleotide variant.
Coding change: c.288T>C on transcript NM_001007553.3 (MANE Select); coding-DNA position 288, T replaced by C.
Protein change: p.Pro96=; no amino-acid change (proline 96 retained).
Molecular consequence: synonymous variant.
Genome position (GRCh38, 1-based): chr1:114,737,984, A>G on the plus strand (T>C on the coding strand, the complement: CSDE1 is on the minus strand). VCF-style: chr1-114737984-A-G. GRCh37 (hg19) VCF-style: chr1-115280605-A-G.
Other names: c.426T>C, p.Pro142= (NM_001130523.3, NM_001242891.2); c.288T>C, p.Pro96= (NM_001242892.2, NM_001242893.2, NM_007158.6).
Identifiers: ClinVar variation 3050795 (VCV003050795.3), dbSNP rs61752481, ClinGen allele CA1021350.
Genomic context (GRCh38, chr1:114,737,984, plus strand): 5'-CAGGGCCCTAAAAAAACACAAAGCATCAAAGTCACTAACTTGTCCATTCATTCGTTCTTC[A>G]GGGAGGATTTCTTGTTTTATCTTCACCAGTTTAACAGCAATGGGTTTCCCAGTCCGTCGG-3'
Protein context (NP_001007554.1, residues 86-106): KLVKIKQEIL[Pro96=]EERMNGQVVC

ClinVar aggregate classification (germline): Likely benign. Review status: criteria provided, single submitter (1 of 4 stars). 2 submissions from 2 submitters: Likely benign (1). 1 of the submissions does not count toward it. Last evaluated 2024-03-27.

Conditions:
CSDE1-related disorder. Also called: CSDE1-related condition.

gnomAD v4.1: 244 of 1,613,074 alleles (0.015%); highest among the groups gnomAD compares: Non-Finnish European, 0.018%; no homozygotes.

Submissions (2):

Blueprint Genetics
Classification: Likely benign. Last evaluated: 2024-03-27. Review status: criteria provided, single submitter. Criteria: ACMG Guidelines, 2015. Collection method: clinical testing. Allele origin: germline.

PreventionGenetics, part of Exact Sciences
Classification: Likely benign for CSDE1-related condition. Last evaluated: 2019-07-12. Review status: no assertion criteria provided. Collection method: clinical testing. Allele origin: germline. Not counted in ClinVar's aggregate classification.
Comment: This variant is classified as likely benign based on ACMG/AMP sequence variant interpretation guidelines (Richards et al. 2015 PMID: 25741868, with internal and published modifications).